The following is an entry in ClinVar:

ClinVar aggregate classification (germline): Pathogenic (1 of 4 stars; one submission).

Conditions:
Early-infantile DEE. Also called: Early infantile epileptic encephalopathy with suppression bursts; Early infantile epileptic encephalopathy; Ohtahara syndrome. Identifiers: Orphanet 1934, MedGen C0393706, MONDO:0800491.

Submission:

Labcorp Genetics (formerly Invitae), Labcorp
Classification: Pathogenic for Early-infantile DEE. Last evaluated: 2021-11-12. Review status: criteria provided, single submitter. Criteria: Invitae Variant Classification Sherloc (09022015). Collection method: clinical testing. Allele origin: germline.
Comment: Algorithms developed to predict the effect of sequence changes on RNA splicing suggest that this variant may disrupt the consensus splice site. This variant has not been reported in the literature in individuals affected with SCN8A-related conditions. This variant is not present in population databases (gnomAD no frequency). This sequence change creates a premature translational stop signal (p.Asn789Phefs*30) in the SCN8A gene. It is expected to result in an absent or disrupted protein product. Loss-of-function variants in SCN8A are known to be pathogenic (PMID: 19254928, 32651551). For these reasons, this variant has been classified as Pathogenic.

Literature cited by the submitters: PubMed 19254928; PubMed 32651551.

NM_001330260.2(SCN8A):c.2364_2370+1del

Gene: SCN8A (sodium voltage-gated channel alpha subunit 8; plus strand). Cytogenetic location: 12q13.13.
Variant type: Deletion.
Coding change: c.2364_2370+1del on transcript NM_001330260.2 (MANE Select); coding-DNA position 2364 through the canonical splice donor site of the intron after coding-DNA position 2370, 8 bases deleted (AAATCTGG; older notation c.2364_2370+1delAAATCTGG).
Molecular consequence: splice donor variant.
Genome position (GRCh38, 1-based): chr12:51,751,587-51,751,594, AAATCTGG deleted; deleting any 8 consecutive bases within chr12:51,751,585-51,751,594 gives the same sequence; the c. name uses the placement nearest the transcript's 3' end. VCF-style (leftmost placement, unchanged base first): chr12-51751584-AGGAAATCT-A. GRCh37 (hg19) VCF-style: chr12-52145368-AGGAAATCT-A.
Other names: c.2364_2370+1del (NM_014191.4, NM_001177984.3, NM_001369788.1).
Identifiers: ClinVar variation 1393473 (VCV001393473.7), dbSNP rs2138838820, ClinGen allele CA2573148766.